The following is an entry in ClinVar:

NM_001320537.2(SLC37A1):c.1423+1773C>T

Gene: SLC37A1 (solute carrier family 37 member 1; plus strand). Cytogenetic location: 21q22.3.
Variant type: single nucleotide variant.
Coding change: c.1423+1773C>T on transcript NM_001320537.2 (MANE Select); 1773 bases into the intron after coding-DNA position 1423, C replaced by T.
Molecular consequence: intron variant.
Genome position (GRCh38, 1-based): chr21:42,570,211, C>T. VCF-style: chr21-42570211-C-T. GRCh37 (hg19) VCF-style: chr21-43990321-C-T.
Other names: c.1423+1773C>T (NM_018964.4).
Identifiers: ClinVar variation 2652711 (VCV002652711.24), dbSNP rs867374294, ClinGen allele CA321586248.
Genomic context (GRCh38, chr21:42,570,211, plus strand): 5'-GAGAAGCGGCGGGCAGGGTGGCCATTGCCATGTGACACATGGCCTGGTTCTGAGAAGCGG[C>T]AGGCAGGGTGGCCGTTGCCATGTCATGTGACACACGGCCTGGTTCTGAGAAGCGGCAGGC-3'

ClinVar aggregate classification (germline): Likely benign (1 of 4 stars; one submission).

Allele frequency attached by ClinVar (database versions not stated): gnomAD 0.00255.
gnomAD v4.1: 288 of 114,584 alleles (0.25%); highest among the groups gnomAD compares: Middle Eastern, 1.7%; 50 homozygotes.

Submission:

CeGaT Center for Human Genetics Tuebingen
Classification: Likely benign. Last evaluated: 2023-03-01. Review status: criteria provided, single submitter. Criteria: CeGaT Center For Human Genetics Tuebingen Variant Classification Criteria Version 2. Collection method: clinical testing. Allele origin: germline. Affected: yes. Observed: 1 variant allele.
Comment: SLC37A1: BS2